The following is an entry in ClinVar:

ClinVar aggregate classification (germline): Likely benign (1 of 4 stars; one submission).

Conditions:
Age related macular degeneration 14. Also called: MACULAR DEGENERATION, AGE-RELATED, 14, REDUCED RISK OF. Identifiers: MedGen C3809653, MONDO:0014207, OMIM 615489.

Allele frequency attached by ClinVar (database versions not stated): gnomAD 0.00006; TOPMed 0.00009; 1000 Genomes Project 0.00040; 1000 Genomes Project 30x 0.00047.
gnomAD v4.1: 47 of 538,416 alleles (0.0087%); highest among the groups gnomAD compares: Non-Finnish European, 0.014%; no homozygotes.

Submission:

Illumina Laboratory Services, Illumina
Classification: Likely benign for Age related macular degeneration 14. Last evaluated: 2018-01-13. Review status: criteria provided, single submitter. Criteria: ICSL Variant Classification Criteria 13 December 2019. Collection method: clinical testing. Allele origin: germline.
Comment: This variant was observed in the ICSL laboratory as part of a predisposition screen in an ostensibly healthy population. It had not been previously curated by ICSL or reported in the Human Gene Mutation Database (HGMD: prior to June 1st, 2018), and was therefore a candidate for classification through an automated scoring system. Utilizing variant allele frequency, disease prevalence and penetrance estimates, and inheritance mode, an automated score was calculated to assess if this variant is too frequent to cause the disease. Based on the score and internal cut-off values, a variant classified as likely benign is not then subjected to further curation. The score for this variant resulted in a classification of likely benign for this disease.

NM_000063.6(C2):c.*304A>G

Gene: C2 (complement C2; plus strand). Cytogenetic location: 6p21.33.
Variant type: single nucleotide variant.
Coding change: c.*304A>G on transcript NM_000063.6 (MANE Select); 304 bases downstream of the stop codon, A replaced by G.
Molecular consequence: 3 prime UTR variant.
Genome position (GRCh38, 1-based): chr6:31,945,661, A>G. VCF-style: chr6-31945661-A-G. GRCh37 (hg19) VCF-style: chr6-31913438-A-G.
Other names: c.*304A>G (NM_001145903.3, NM_001178063.3, NM_001282457.2 and 1 more transcripts).
Identifiers: ClinVar variation 356265 (VCV000356265.6), dbSNP rs72842444, ClinGen allele CA10621876.
Genomic context (GRCh38, chr6:31,945,661, plus strand): 5'-TGACTCATGCTTGTTTCACTTTCACATGGAATTTCCCAGTTATGAAATTAATAAAAATCA[A>G]TGGTTTCCACATCTCTCAGTGCCTCTATCTGGAGGCCAGGTAGGGCTGGCCTTGGGGGAG-3'